The following is an entry in ClinVar:

NM_007315.4(STAT1):c.25C>T (p.Gln9Ter)

Gene: STAT1 (signal transducer and activator of transcription 1; minus strand). Cytogenetic location: 2q32.2.
Variant type: single nucleotide variant.
Coding change: c.25C>T on transcript NM_007315.4 (MANE Select); coding-DNA position 25, C replaced by T.
Protein change: p.Gln9Ter; replaces glutamine 9 with a stop codon.
Molecular consequence: nonsense.
Genome position (GRCh38, 1-based): chr2:191,009,979, G>A on the plus strand (C>T on the coding strand, the complement: STAT1 is on the minus strand). VCF-style: chr2-191009979-G-A. GRCh37 (hg19) VCF-style: chr2-191874705-G-A.
Other names: c.25C>T, p.Gln9Ter (NM_001384880.1, NM_001384882.1, NM_001384883.1 and 8 more transcripts); c.31C>T, p.Gln11Ter (NM_001384881.1, NM_001384884.1); short protein forms Q11*, Q9*.
Identifiers: ClinVar variation 2500092 (VCV002500092.2), dbSNP rs2470570568, ClinGen allele CA349928586.

ClinVar aggregate classification (germline): Pathogenic (1 of 4 stars; one submission).

Conditions:
Immunodeficiency 31B. Also called: IMMUNODEFICIENCY 31B, MYCOBACTERIAL AND VIRAL INFECTIONS, AUTOSOMAL RECESSIVE; STAT1 DEFICIENCY, AUTOSOMAL RECESSIVE. Identifiers: Orphanet 391311, MedGen C3151088, MONDO:0013427, OMIM 613796.
Autoimmune enteropathy and endocrinopathy - susceptibility to chronic infections syndrome. Also called: Immunodeficiency 31C; Immunodeficiency 31C, autosomal dominant. Identifiers: Orphanet 391487, MedGen C3279990, MONDO:0013599, OMIM 614162.
Mendelian susceptibility to mycobacterial diseases due to partial STAT1 deficiency. Also called: IMMUNODEFICIENCY 31A, MYCOBACTERIOSIS, AUTOSOMAL DOMINANT; STAT1 DEFICIENCY, AUTOSOMAL DOMINANT; Immunodeficiency 31a. Identifiers: Orphanet 319595, MedGen C4013950, MONDO:0013956, OMIM 614892.

Allele frequency attached by ClinVar (database versions not stated): gnomAD exomes below 0.00001.
gnomAD v4.1: 1 of 1,613,990 alleles (0.000062%); highest among the groups gnomAD compares: Non-Finnish European, 0.000085%; no homozygotes.

Submission:

Center for Genomics, Ann and Robert H. Lurie Children's Hospital of Chicago
Classification: Pathogenic for Autoimmune enteropathy and endocrinopathy - susceptibility to chronic infections syndrome; Mendelian susceptibility to mycobacterial diseases due to partial STAT1 deficiency; Immunodeficiency 31B. Review status: criteria provided, single submitter. Criteria: ACMG Guidelines, 2015. Collection method: clinical testing. Allele origin: germline.
Comment: STAT1 NM_007315.3 exon 3 p.Gln9* (c.25C>T): This variant has not been reported in the literature and is not present in large control databases. Evolutionary conservation and computational predictive tools for this variant are limited or unavailable. This variant is predicted to cause a stopgain at this codon, resulting in protein truncation or loss of allelic expression through nonsense-mediated mRNA decay. Although the mechanism of disease for this gene is predominantly reported as gain of function, loss of function variants have also been reported (Chapgier 2006 PMID:16585605). In summary, this variant is classified as pathogenic.